The following is an entry in ClinVar:

NM_003998.4(NFKB1):c.634del (p.Val212fs)

Gene: NFKB1 (nuclear factor kappa B subunit 1; plus strand). Cytogenetic location: 4q24.
Variant type: Deletion.
Coding change: c.634del on transcript NM_003998.4 (MANE Select); coding-DNA position 634, one base deleted (G; older notation c.634delG).
Protein change: p.Val212fs; shifts the reading frame from valine 212.
Molecular consequence: frameshift variant.
Genome position (GRCh38, 1-based): chr4:102,578,943, G deleted. VCF-style (leftmost placement, unchanged base first): chr4-102578942-CG-C. GRCh37 (hg19) VCF-style: chr4-103500099-CG-C.
Other names: c.631del, p.Val211fs (NM_001165412.2, NM_001319226.2, NM_001382627.1); c.634del, p.Val212fs (NM_001382625.1, NM_001382626.1); c.592del, p.Val198fs (NM_001382628.1); short protein forms V198fs, V211fs, V212fs.
Identifiers: ClinVar variation 2110412 (VCV002110412.4), dbSNP rs2476415372, ClinGen allele CA2580071343.

ClinVar aggregate classification (germline): Pathogenic (1 of 4 stars; one submission).

Submission:

Labcorp Genetics (formerly Invitae), Labcorp
Classification: Pathogenic. Last evaluated: 2022-07-06. Review status: criteria provided, single submitter. Criteria: Invitae Variant Classification Sherloc (09022015). Collection method: clinical testing. Allele origin: germline.
Comment: For these reasons, this variant has been classified as Pathogenic. This variant has not been reported in the literature in individuals affected with NFKB1-related conditions. This variant is not present in population databases (gnomAD no frequency). This sequence change creates a premature translational stop signal (p.Val212Trpfs*40) in the NFKB1 gene. It is expected to result in an absent or disrupted protein product. Loss-of-function variants in NFKB1 are known to be pathogenic (PMID: 26279205, 29477724).

Literature cited by the submitters: PubMed 26279205; PubMed 29477724.